The following is an entry in ClinVar:

NM_000057.4(BLM):c.2019A>T (p.Leu673=)

Gene: BLM (BLM RecQ like helicase; plus strand). Cytogenetic location: 15q26.1.
Variant type: single nucleotide variant.
Coding change: c.2019A>T on transcript NM_000057.4 (MANE Select); coding-DNA position 2019, A replaced by T.
Protein change: p.Leu673=; no amino-acid change (leucine 673 retained).
Molecular consequence: synonymous variant.
Genome position (GRCh38, 1-based): chr15:90,763,102, A>T. VCF-style: chr15-90763102-A-T. GRCh37 (hg19) VCF-style: chr15-91306332-A-T.
Other names: c.2019A>T, p.Leu673= (NM_001287246.2, NM_001287247.2); c.894A>T, p.Leu298= (NM_001287248.2).
Identifiers: ClinVar variation 3480861 (VCV003480861.9).

ClinVar aggregate classification (germline): Likely benign. Review status: criteria provided, multiple submitters, no conflicts (2 of 4 stars). 2 submissions from 2 submitters: Likely benign (2). Last evaluated 2025-08-01.

Conditions:
Hereditary cancer-predisposing syndrome. Also called: Neoplastic Syndromes, Hereditary; Tumor predisposition; Hereditary Cancer Syndrome; Hereditary neoplastic syndrome. Identifiers: Orphanet 140162, MedGen C0027672, MeSH D009386, MONDO:0015356.

Submissions (2):

CeGaT Center for Human Genetics Tuebingen
Classification: Likely benign. Last evaluated: 2025-08-01. Review status: criteria provided, single submitter. Criteria: CeGaT Center For Human Genetics Tuebingen Variant Classification Criteria Version 2. Collection method: clinical testing. Allele origin: germline. Affected: yes. Observed: 1 variant allele.
Comment: BLM: PM2:Supporting, BP4, BP7

Ambry Genetics
Classification: Likely benign for Hereditary cancer-predisposing syndrome. Last evaluated: 2024-09-22. Review status: criteria provided, single submitter. Criteria: Ambry Variant Classification Scheme 2023. Collection method: clinical testing. Allele origin: germline.